The following is an entry in ClinVar:

ClinVar aggregate classification (germline): Pathogenic (1 of 4 stars; one submission).

Conditions:
Multiple sulfatase deficiency (MSD). Also called: Mucosulfatidosis; Multiple Sulfatase Deficiency Disease; Sulfatidosis, Juvenile, Austin Type. Identifiers: Orphanet 585, MedGen C0268263, MONDO:0010088, OMIM 272200.

Submission:

Myriad Genetics, Inc.
Classification: Pathogenic for Multiple sulfatase deficiency. Last evaluated: 2024-05-14. Review status: criteria provided, single submitter. Criteria: Myriad Autosomal Dominant, Autosomal Recessive and X-Linked Classification Criteria (2023). Collection method: clinical testing. Allele origin: unknown.
Comment: NM_182760.3(SUMF1):c.748delC(L250Cfs*18) is expected to be pathogenic in the context of multiple sulfatase deficiency. This variant is predicted to lead to an abnormal or absent protein product due to the creation of a premature termination codon in SUMF1, a gene where loss-of-function variants are known to be pathogenic. Please note: this variant was assessed in the context of healthy population screening.

NM_182760.4(SUMF1):c.748del (p.Leu250fs)

Gene: SUMF1 (sulfatase modifying factor 1; minus strand). Cytogenetic location: 3p26.1.
Variant type: Deletion.
Coding change: c.748del on transcript NM_182760.4 (MANE Select); coding-DNA position 748, one base deleted (C; older notation c.748delC).
Protein change: p.Leu250fs; shifts the reading frame from leucine 250.
Molecular consequence: frameshift variant.
Genome position (GRCh38, 1-based): chr3:4,417,220, G deleted on the plus strand (C on the coding strand, the reverse complement: SUMF1 is on the minus strand). VCF-style (leftmost placement, unchanged base first): chr3-4417219-AG-A. GRCh37 (hg19) VCF-style: chr3-4458903-AG-A.
Other names: c.673del, p.Leu225fs (NM_001164674.2); c.748del, p.Leu250fs (NM_001164675.2); short protein forms L225fs, L250fs.
Identifiers: ClinVar variation 5011482 (VCV005011482.1).